The following is an entry in ClinVar:

NM_000548.5(TSC2):c.4764G>C (p.Gln1588His)

Gene: TSC2 (TSC complex subunit 2; plus strand). Cytogenetic location: 16p13.3.
Variant type: single nucleotide variant.
Coding change: c.4764G>C on transcript NM_000548.5 (MANE Select); coding-DNA position 4764, G replaced by C.
Protein change: p.Gln1588His; replaces glutamine 1588 with histidine.
Molecular consequence: missense variant.
Genome position (GRCh38, 1-based): chr16:2,086,294, G>C. VCF-style: chr16-2086294-G-C. GRCh37 (hg19) VCF-style: chr16-2136295-G-C.
Other names: c.4563G>C, p.Gln1521His (NM_001077183.3); c.4695G>C, p.Gln1565His (NM_001114382.3); c.4455G>C, p.Gln1485His (NM_001318827.2); c.4419G>C, p.Gln1473His (NM_001318829.2); c.4032G>C, p.Gln1344His (NM_001318831.2); c.4596G>C, p.Gln1532His (NM_001318832.2); c.4566G>C, p.Gln1522His (NM_001363528.2); c.4632G>C, p.Gln1544His (NM_001370404.1); and 1 more; short protein forms Q1588H, Q1473H, Q1485H, Q1521H, Q1522H, Q1545H, Q1344H, Q1544H.
Identifiers: ClinVar variation 232491 (VCV000232491.15), dbSNP rs876659800, ClinGen allele CA10579905.

ClinVar aggregate classification (germline): Uncertain significance. Review status: criteria provided, multiple submitters, no conflicts (2 of 4 stars). 3 submissions from 3 submitters: Uncertain significance (3). Last evaluated 2023-07-12.

Conditions:
Hereditary cancer-predisposing syndrome. Also called: Hereditary Cancer Syndrome; Neoplastic Syndromes, Hereditary; Tumor predisposition; Hereditary neoplastic syndrome. Identifiers: Orphanet 140162, MedGen C0027672, MeSH D009386, MONDO:0015356.
Tuberous sclerosis 2 (TSC2). Identifiers: Orphanet 805, MedGen C1860707, MONDO:0013199, OMIM 613254.

Allele frequency attached by ClinVar (database versions not stated): gnomAD exomes below 0.00001.
gnomAD v4.1: 2 of 1,612,920 alleles (0.00012%); highest among the groups gnomAD compares: African/African-American, 0.0027%; no homozygotes.

Submissions (3):

Ambry Genetics
Classification: Uncertain significance for Hereditary cancer-predisposing syndrome. Last evaluated: 2023-07-12. Review status: criteria provided, single submitter. Criteria: Ambry Variant Classification Scheme 2023. Collection method: clinical testing. Allele origin: germline.
Comment: The p.Q1588H variant (also known as c.4764G>C), located in coding exon 36 of the TSC2 gene, results from a G to C substitution at nucleotide position 4764. The glutamine at codon 1588 is replaced by histidine, an amino acid with highly similar properties. This variant was not reported in population based cohorts in the following databases: Database of Single Nucleotide Polymorphisms (dbSNP), NHLBI Exome Sequencing Project (ESP), and 1000 Genomes Project. In the ESP, this variant was not observed in 6498 samples (12996 alleles) with coverage at this position. To date, this alteration has been detected with an allele frequency of approximately 0.02% (greater than 4500 alleles tested) in our clinical cohort. This amino acid position is well conserved in available vertebrate species. In addition, this alteration is predicted to be deleterious by in silico analysis. Since supporting evidence is limited at this time, the clinical significance of p.Q1588H remains unclear.

Labcorp Genetics (formerly Invitae), Labcorp
Classification: Uncertain significance for Tuberous sclerosis 2. Last evaluated: 2022-02-13. Review status: criteria provided, single submitter. Criteria: Invitae Variant Classification Sherloc (09022015). Collection method: clinical testing. Allele origin: germline.
Comment: This sequence change replaces glutamine, which is neutral and polar, with histidine, which is basic and polar, at codon 1588 of the TSC2 protein (p.Gln1588His). This variant is not present in population databases (gnomAD no frequency). This variant has not been reported in the literature in individuals affected with TSC2-related conditions. ClinVar contains an entry for this variant (Variation ID: 232491). Advanced modeling of protein sequence and biophysical properties (such as structural, functional, and spatial information, amino acid conservation, physicochemical variation, residue mobility, and thermodynamic stability) performed at Invitae indicates that this missense variant is not expected to disrupt TSC2 protein function. In summary, the available evidence is currently insufficient to determine the role of this variant in disease. Therefore, it has been classified as a Variant of Uncertain Significance.

Genome-Nilou Lab
Classification: Uncertain significance for Tuberous sclerosis 2. Last evaluated: 2021-11-07. Review status: criteria provided, single submitter. Criteria: ACMG Guidelines, 2015. Collection method: clinical testing. Allele origin: germline. Affected: no.